The following is an entry in ClinVar:

NM_001734.5(C1S):c.878C>T (p.Pro293Leu)

Gene: C1S (complement C1s; plus strand). Cytogenetic location: 12p13.31.
Variant type: single nucleotide variant.
Coding change: c.878C>T on transcript NM_001734.5 (MANE Select); coding-DNA position 878, C replaced by T.
Protein change: p.Pro293Leu; replaces proline 293 with leucine.
Molecular consequence: missense variant.
Genome position (GRCh38, 1-based): chr12:7,066,524, C>T. VCF-style: chr12-7066524-C-T. GRCh37 (hg19) VCF-style: chr12-7173828-C-T.
Other names: c.377C>T, p.Pro126Leu (NM_001346850.2); c.878C>T, p.Pro293Leu (NM_201442.4); short protein forms P293L, P126L.
Identifiers: ClinVar variation 2745701 (VCV002745701.3), dbSNP rs2539601351, ClinGen allele CA383698390.
Genomic context (GRCh38, chr12:7,066,524, plus strand): 5'-GTCTTCAACTATTTAGTAATTTTTTCCTCCTGTCCCAACTTCTGTTCTTTCAAGCAATGC[C>T]CTGCCCTAAGGAAGACACTCCCAATTCTGTTTGGGAGCCTGCGAAGGCAAAATATGTCTT-3'
Protein context (NP_001725.1, residues 283-303): WKLRYHGDPM[Pro293Leu]CPKEDTPNSV

ClinVar aggregate classification (germline): Uncertain significance (1 of 4 stars; one submission).

Submission:

Labcorp Genetics (formerly Invitae), Labcorp
Classification: Uncertain significance. Last evaluated: 2023-07-21. Review status: criteria provided, single submitter. Criteria: Invitae Variant Classification Sherloc (09022015). Collection method: clinical testing. Allele origin: germline.
Comment: In summary, the available evidence is currently insufficient to determine the role of this variant in disease. Therefore, it has been classified as a Variant of Uncertain Significance. Advanced modeling of protein sequence and biophysical properties (such as structural, functional, and spatial information, amino acid conservation, physicochemical variation, residue mobility, and thermodynamic stability) performed at Invitae indicates that this missense variant is not expected to disrupt C1S protein function. This variant has not been reported in the literature in individuals affected with C1S-related conditions. This variant is not present in population databases (gnomAD no frequency). This sequence change replaces proline, which is neutral and non-polar, with leucine, which is neutral and non-polar, at codon 293 of the C1S protein (p.Pro293Leu).